The following is an entry in ClinVar:

ClinVar aggregate classification (germline): Uncertain significance. Review status: criteria provided, multiple submitters, no conflicts (2 of 4 stars). 2 submissions from 2 submitters: Uncertain significance (2). Last evaluated 2026-06-24.

Conditions:
Hereditary cancer-predisposing syndrome. Also called: Neoplastic Syndromes, Hereditary; Hereditary Cancer Syndrome; Tumor predisposition; Hereditary neoplastic syndrome. Identifiers: Orphanet 140162, MedGen C0027672, MeSH D009386, MONDO:0015356.
Familial cancer of breast. Also called: Hereditary breast cancer; BREAST CANCER, FAMILIAL; hereditary breast carcinoma. Identifiers: Orphanet 227535, MedGen C0346153, MONDO:0016419, OMIM 114480. Disease mechanism: loss of function.

Submissions (2):

Ambry Genetics
Classification: Uncertain significance for Hereditary cancer-predisposing syndrome. Last evaluated: 2026-06-24. Review status: criteria provided, single submitter. Criteria: Ambry Variant Classification Scheme 2023. Collection method: clinical testing. Allele origin: germline.
Comment: The p.C121R variant (also known as c.361T>C), located in coding exon 2 of the CHEK2 gene, results from a T to C substitution at nucleotide position 361. The cysteine at codon 121 is replaced by arginine, an amino acid with highly dissimilar properties. This amino acid position is conserved. In addition, this alteration is predicted to be deleterious by in silico analysis. Based on the available evidence, the clinical significance of this variant remains unclear.

Labcorp Genetics (formerly Invitae), Labcorp
Classification: Uncertain significance for Familial cancer of breast. Last evaluated: 2024-06-24. Review status: criteria provided, single submitter. Criteria: Invitae Variant Classification Sherloc (09022015). Collection method: clinical testing. Allele origin: germline.
Comment: This sequence change replaces cysteine, which is neutral and slightly polar, with arginine, which is basic and polar, at codon 121 of the CHEK2 protein (p.Cys121Arg). This variant is not present in population databases (gnomAD no frequency). This variant has not been reported in the literature in individuals affected with CHEK2-related conditions. ClinVar contains an entry for this variant (Variation ID: 942446). An algorithm developed to predict the effect of missense changes on protein structure and function (PolyPhen-2) suggests that this variant is likely to be disruptive. In summary, the available evidence is currently insufficient to determine the role of this variant in disease. Therefore, it has been classified as a Variant of Uncertain Significance.

NM_007194.4(CHEK2):c.361T>C (p.Cys121Arg)

Gene: CHEK2 (checkpoint kinase 2; minus strand). Cytogenetic location: 22q12.1.
Variant type: single nucleotide variant.
Coding change: c.361T>C on transcript NM_007194.4 (MANE Select); coding-DNA position 361, T replaced by C.
Protein change: p.Cys121Arg; replaces cysteine 121 with arginine.
Molecular consequence: missense variant.
Genome position (GRCh38, 1-based): chr22:28,725,326, A>G on the plus strand (T>C on the coding strand, the complement: CHEK2 is on the minus strand). VCF-style: chr22-28725326-A-G. GRCh37 (hg19) VCF-style: chr22-29121314-A-G.
Other names: c.490T>C, p.Cys164Arg (NM_001005735.3); c.-417T>C (NM_001257387.3); c.361T>C, p.Cys121Arg (NM_001349956.3, NM_145862.3); short protein forms C164R, C121R.
Identifiers: ClinVar variation 942446 (VCV000942446.11), dbSNP rs1356801901, ClinGen allele CA411108152.